The following is an entry in ClinVar:

NM_024665.7(TBL1XR1):c.478A>C (p.Asn160His)

Gene: TBL1XR1 (TBL1X/Y related 1; minus strand). Cytogenetic location: 3q26.32.
Variant type: single nucleotide variant.
Coding change: c.478A>C on transcript NM_024665.7 (MANE Select); coding-DNA position 478, A replaced by C.
Protein change: p.Asn160His; replaces asparagine 160 with histidine.
Molecular consequence: missense variant.
Genome position (GRCh38, 1-based): chr3:177,050,560, T>G on the plus strand (A>C on the coding strand, the complement: TBL1XR1 is on the minus strand). VCF-style: chr3-177050560-T-G. GRCh37 (hg19) VCF-style: chr3-176768348-T-G.
Other names: c.478A>C, p.Asn160His (NM_001321193.3, NM_001321194.3, NM_001374327.1 and 2 more transcripts); c.217A>C, p.Asn73His (NM_001321195.3, NM_001374330.1); short protein forms N160H, N73H.
Identifiers: ClinVar variation 1401712 (VCV001401712.8), dbSNP rs2108492417, ClinGen allele CA355552898.

ClinVar aggregate classification (germline): Uncertain significance (1 of 4 stars; one submission).

Conditions:
Pierpont syndrome (PRPTS). Identifiers: Orphanet 487825, MedGen C1865644, MONDO:0011213, OMIM 602342.

Allele frequency attached by ClinVar (database versions not stated): gnomAD exomes below 0.00001.
gnomAD v4.1: 2 of 1,613,862 alleles (0.00012%); highest among the groups gnomAD compares: Non-Finnish European, 0.00017%; no homozygotes.

Submission:

Labcorp Genetics (formerly Invitae), Labcorp
Classification: Uncertain significance for Pierpont syndrome. Last evaluated: 2021-06-18. Review status: criteria provided, single submitter. Criteria: Invitae Variant Classification Sherloc (09022015). Collection method: clinical testing. Allele origin: germline.
Comment: In summary, the available evidence is currently insufficient to determine the role of this variant in disease. Therefore, it has been classified as a Variant of Uncertain Significance. Algorithms developed to predict the effect of missense changes on protein structure and function are either unavailable or do not agree on the potential impact of this missense change (SIFT: "Tolerated"; PolyPhen-2: "Possibly Damaging"; Align-GVGD: "Class C0"). This variant has not been reported in the literature in individuals with TBL1XR1-related conditions. This variant is not present in population databases (ExAC no frequency). This sequence change replaces asparagine with histidine at codon 160 of the TBL1XR1 protein (p.Asn160His). The asparagine residue is moderately conserved and there is a small physicochemical difference between asparagine and histidine.